The following is an entry in ClinVar:

ClinVar aggregate classification (germline): Uncertain significance (1 of 4 stars; one submission).

Submission:

Labcorp Genetics (formerly Invitae), Labcorp
Classification: Uncertain significance. Last evaluated: 2022-03-01. Review status: criteria provided, single submitter. Criteria: Invitae Variant Classification Sherloc (09022015). Collection method: clinical testing. Allele origin: germline.
Comment: In summary, the available evidence is currently insufficient to determine the role of this variant in disease. Therefore, it has been classified as a Variant of Uncertain Significance. Algorithms developed to predict the effect of missense changes on protein structure and function are either unavailable or do not agree on the potential impact of this missense change (SIFT: "Deleterious"; PolyPhen-2: "Benign"; Align-GVGD: "Class C0"). This variant has not been reported in the literature in individuals affected with ERCC6-related conditions. This variant is not present in population databases (gnomAD no frequency). This sequence change replaces proline, which is neutral and non-polar, with leucine, which is neutral and non-polar, at codon 1160 of the ERCC6 protein (p.Pro1160Leu).

NM_000124.4(ERCC6):c.3479C>T (p.Pro1160Leu)

Gene: ERCC6 (ERCC excision repair 6, chromatin remodeling factor; minus strand). Cytogenetic location: 10q11.23.
Variant type: single nucleotide variant.
Coding change: c.3479C>T on transcript NM_000124.4 (MANE Select); coding-DNA position 3479, C replaced by T.
Protein change: p.Pro1160Leu; replaces proline 1160 with leucine.
Molecular consequence: missense variant.
Genome position (GRCh38, 1-based): chr10:49,470,481, G>A on the plus strand (C>T on the coding strand, the complement: ERCC6 is on the minus strand). VCF-style: chr10-49470481-G-A. GRCh37 (hg19) VCF-style: chr10-50678527-G-A.
Other names: c.3479C>T, p.Pro1160Leu (NM_001346440.2); short protein forms P1160L.
Identifiers: ClinVar variation 2105580 (VCV002105580.4), dbSNP rs2495971908, ClinGen allele CA376714456.